The following is an entry in ClinVar:

ClinVar aggregate classification (germline): Uncertain significance (1 of 4 stars; one submission).

Conditions:
Intellectual developmental disorder, autosomal recessive 27. Also called: Mental retardation, autosomal recessive 27; Intellectual disability, autosomal recessive 27. Identifiers: Orphanet 88616, MedGen C3280538, MONDO:0013702, OMIM 614340.

Allele frequency attached by ClinVar (database versions not stated): gnomAD exomes below 0.00001.

Submission:

Baylor Genetics
Classification: Uncertain significance for Intellectual developmental disorder, autosomal recessive 27. Last evaluated: 2018-04-10. Review status: criteria provided, single submitter. Criteria: ACMG Guidelines, 2015. Collection method: clinical testing. Allele origin: unknown. Affected: yes.
Comment: This variant was determined to be of uncertain significance according to ACMG Guidelines, 2015 [PMID:25741868].

NM_001040616.3(LINS1):c.2004G>C (p.Arg668Ser)

Gene: LINS1 (lines homolog 1; minus strand). Cytogenetic location: 15q26.3.
Variant type: single nucleotide variant.
Coding change: c.2004G>C on transcript NM_001040616.3 (MANE Select); coding-DNA position 2004, G replaced by C.
Protein change: p.Arg668Ser; replaces arginine 668 with serine.
Molecular consequence: missense variant. On other transcripts: non-coding transcript variant (3).
Genome position (GRCh38, 1-based): chr15:100,569,508, C>G on the plus strand (G>C on the coding strand, the complement: LINS1 is on the minus strand). VCF-style: chr15-100569508-C-G. GRCh37 (hg19) VCF-style: chr15-101109713-C-G.
Other names: c.1257G>C, p.Arg419Ser (NM_001352507.2); c.1851G>C, p.Arg617Ser (NM_001352508.2); short protein forms R617S, R419S, R668S.
Identifiers: ClinVar variation 1031762 (VCV001031762.1), dbSNP rs2037687560, ClinGen allele CA393945373.